The following is an entry in ClinVar:

ClinVar aggregate classification (germline): Pathogenic. Review status: criteria provided, multiple submitters, no conflicts (2 of 4 stars). 2 submissions from 2 submitters: Pathogenic (2). Last evaluated 2025-06-13.

Conditions:
Cardiovascular phenotype. Identifiers: MedGen CN230736.
Arrhythmogenic cardiomyopathy with wooly hair and keratoderma. Also called: Carvajal syndrome; Dilated cardiomyopathy with woolly hair and keratoderma; Arrhythmogenic cardiomyopathy with woolly hair and keratoderma; PALMOPLANTAR KERATODERMA WITH LEFT VENTRICULAR CARDIOMYOPATHY AND WOOLLY HAIR. Identifiers: Orphanet 65282, MedGen C1854063, MONDO:0011581, OMIM 605676.
Arrhythmogenic right ventricular dysplasia 8 (ARVD8). Also called: Arrhythmogenic Right Ventricular Dysplasia/Cardiomyopathy 8; ARRHYTHMOGENIC RIGHT VENTRICULAR CARDIOMYOPATHY 8; ARRHYTHMOGENIC RIGHT VENTRICULAR DYSPLASIA, FAMILIAL, 8. Identifiers: MedGen C1843896, MONDO:0011831, OMIM 607450.

Submissions (2):

Ambry Genetics
Classification: Pathogenic for Cardiovascular phenotype. Last evaluated: 2025-06-13. Review status: criteria provided, single submitter. Criteria: Ambry Variant Classification Scheme 2023. Collection method: clinical testing. Allele origin: germline.
Comment: The p.Q873* pathogenic mutation (also known as c.2617C>T), located in coding exon 18 of the DSP gene, results from a C to T substitution at nucleotide position 2617. This changes the amino acid from a glutamine to a stop codon within coding exon 18. This variant is considered to be rare based on population cohorts in the Genome Aggregation Database (gnomAD). This alteration is expected to result in loss of function by premature protein truncation or nonsense-mediated mRNA decay. As such, this alteration is interpreted as a disease-causing mutation.

Labcorp Genetics (formerly Invitae), Labcorp
Classification: Pathogenic for Arrhythmogenic cardiomyopathy with wooly hair and keratoderma; Arrhythmogenic right ventricular dysplasia 8. Last evaluated: 2019-10-13. Review status: criteria provided, single submitter. Criteria: Invitae Variant Classification Sherloc (09022015). Collection method: clinical testing. Allele origin: germline.
Comment: For these reasons, this variant has been classified as Pathogenic. Loss-of-function variants in DSP are known to be pathogenic (PMID: 20716751, 24503780, 25227139). This variant has not been reported in the literature in individuals with DSP-related conditions. This variant is not present in population databases (ExAC no frequency). This sequence change creates a premature translational stop signal (p.Gln873*) in the DSP gene. It is expected to result in an absent or disrupted protein product.

Literature cited by the submitters: PubMed 20716751 (cited by Labcorp Genetics (formerly Invitae), Labcorp); PubMed 24503780 (cited by Labcorp Genetics (formerly Invitae), Labcorp); PubMed 25227139 (cited by Labcorp Genetics (formerly Invitae), Labcorp).

NM_004415.4(DSP):c.2617C>T (p.Gln873Ter)

Gene: DSP (desmoplakin; plus strand). Cytogenetic location: 6p24.3.
Variant type: single nucleotide variant.
Coding change: c.2617C>T on transcript NM_004415.4 (MANE Select); coding-DNA position 2617, C replaced by T.
Protein change: p.Gln873Ter; replaces glutamine 873 with a stop codon.
Molecular consequence: nonsense.
Genome position (GRCh38, 1-based): chr6:7,575,475, C>T. VCF-style: chr6-7575475-C-T. GRCh37 (hg19) VCF-style: chr6-7575708-C-T.
Other names: c.2617C>T, p.Gln873Ter (NM_001008844.3, NM_001319034.2); short protein forms Q873*.
Identifiers: ClinVar variation 199871 (VCV000199871.9), dbSNP rs794728118, ClinGen allele CA005429.